The following is an entry in ClinVar:

NM_020366.4(RPGRIP1):c.2392C>G (p.Gln798Glu)

Gene: RPGRIP1 (RPGR interacting protein 1; plus strand). Cytogenetic location: 14q11.2.
Variant type: single nucleotide variant.
Coding change: c.2392C>G on transcript NM_020366.4 (MANE Select); coding-DNA position 2392, C replaced by G.
Protein change: p.Gln798Glu; replaces glutamine 798 with glutamic acid.
Molecular consequence: missense variant. On other transcripts: intron variant (4).
Genome position (GRCh38, 1-based): chr14:21,325,855, C>G. VCF-style: chr14-21325855-C-G. GRCh37 (hg19) VCF-style: chr14-21794014-C-G.
Other names: c.1318C>G, p.Gln440Glu (NM_001377948.1); c.796+1130C>G (NM_001377949.1); c.689-1768C>G (NM_001377523.1, NM_001377950.1); c.191-1768C>G (NM_001377951.1); short protein forms Q440E, Q798E.
Identifiers: ClinVar variation 1035094 (VCV001035094.8), dbSNP rs1883030065, ClinGen allele CA388868769.

ClinVar aggregate classification (germline): Uncertain significance (1 of 4 stars; one submission).

Conditions:
Leber congenital amaurosis 6 (LCA6). Identifiers: Orphanet 65, MedGen C1854260, MONDO:0013446, OMIM 613826.
Cone-rod dystrophy 13 (CORD13). Identifiers: Orphanet 1872, MedGen C2750720, MONDO:0011987, OMIM 608194.

Allele frequency attached by ClinVar (database versions not stated): gnomAD exomes below 0.00001.
gnomAD v4.1: 3 of 1,613,402 alleles (0.00019%); highest among the groups gnomAD compares: Non-Finnish European, 0.00025%; no homozygotes.

Submission:

Labcorp Genetics (formerly Invitae), Labcorp
Classification: Uncertain significance for Leber congenital amaurosis 6; Cone-rod dystrophy 13. Last evaluated: 2022-02-10. Review status: criteria provided, single submitter. Criteria: Invitae Variant Classification Sherloc (09022015). Collection method: clinical testing. Allele origin: germline.
Comment: This sequence change replaces glutamine, which is neutral and polar, with glutamic acid, which is acidic and polar, at codon 798 of the RPGRIP1 protein (p.Gln798Glu). In summary, the available evidence is currently insufficient to determine the role of this variant in disease. Therefore, it has been classified as a Variant of Uncertain Significance. Algorithms developed to predict the effect of missense changes on protein structure and function (SIFT, PolyPhen-2, Align-GVGD) all suggest that this variant is likely to be tolerated. ClinVar contains an entry for this variant (Variation ID: 1035094). This variant has not been reported in the literature in individuals affected with RPGRIP1-related conditions. This variant is not present in population databases (gnomAD no frequency).